The following is an entry in ClinVar:

ClinVar aggregate classification (germline): Pathogenic (1 of 4 stars; one submission).

Conditions:
Meckel-Gruber syndrome. Also called: DYSENCEPHALIA SPLANCHNOCYSTICA; GRUBER SYNDROME; Dysencephalia splachnocystica. Identifiers: Orphanet 564, MedGen C0265215, MONDO:0018921.
Joubert syndrome. Also called: CEREBELLOPARENCHYMAL DISORDER IV; JOUBERT-BOLTSHAUSER SYNDROME; Familial aplasia of the vermis. Identifiers: Orphanet 475, MedGen C5979921, MONDO:0018772.

Submission:

Labcorp Genetics (formerly Invitae), Labcorp
Classification: Pathogenic for Joubert syndrome; Meckel-Gruber syndrome. Last evaluated: 2021-01-28. Review status: criteria provided, single submitter. Criteria: Invitae Variant Classification Sherloc (09022015). Collection method: clinical testing. Allele origin: germline.
Comment: This sequence change creates a premature translational stop signal (p.Trp546*) in the TMEM67 gene. It is expected to result in an absent or disrupted protein product. Loss-of-function variants in TMEM67 are known to be pathogenic (PMID: 20232449). This variant is not present in population databases (ExAC no frequency). This variant has not been reported in the literature in individuals with TMEM67-related conditions. For these reasons, this variant has been classified as Pathogenic.

Literature cited by the submitters: PubMed 20232449.

NM_153704.6(TMEM67):c.1638G>A (p.Trp546Ter)

Gene: TMEM67 (transmembrane protein 67; plus strand). Cytogenetic location: 8q22.1.
Variant type: single nucleotide variant.
Coding change: c.1638G>A on transcript NM_153704.6 (MANE Select); coding-DNA position 1638, G replaced by A.
Protein change: p.Trp546Ter; replaces tryptophan 546 with a stop codon.
Molecular consequence: nonsense. On other transcripts: non-coding transcript variant (1).
Genome position (GRCh38, 1-based): chr8:93,793,260, G>A. VCF-style: chr8-93793260-G-A. GRCh37 (hg19) VCF-style: chr8-94805488-G-A.
Other names: c.1395G>A, p.Trp465Ter (NM_001142301.1); short protein forms W546*, W465*.
Identifiers: ClinVar variation 1453206 (VCV001453206.1), dbSNP rs2130719312, ClinGen allele CA371691352.